The following is an entry in ClinVar:

NM_024548.4(CEP97):c.2284A>G (p.Ser762Gly)

Gene: CEP97 (centrosomal protein 97; plus strand). Cytogenetic location: 3q12.3.
Variant type: single nucleotide variant.
Coding change: c.2284A>G on transcript NM_024548.4 (MANE Select); coding-DNA position 2284, A replaced by G.
Protein change: p.Ser762Gly; replaces serine 762 with glycine.
Molecular consequence: missense variant.
Genome position (GRCh38, 1-based): chr3:101,765,237, A>G. VCF-style: chr3-101765237-A-G. GRCh37 (hg19) VCF-style: chr3-101484081-A-G.
Other names: c.2107A>G, p.Ser703Gly (NM_001303401.2); c.2182A>G, p.Ser728Gly (NM_001410784.1); c.2005A>G, p.Ser669Gly (NM_001410785.1); short protein forms S703G, S728G, S762G, S669G.
Identifiers: ClinVar variation 3021737 (VCV003021737.3), dbSNP rs150428728, ClinGen allele CA2522301.
Genomic context (GRCh38, chr3:101,765,237, plus strand): 5'-TATGGCAAAGAATCAGATTTAGGGGATGTTAGTGAAGAACATGGTGAATGGAATAAGGAA[A>G]GCTCAAATAACGAGCAGGACAATAGTCTGCTTGAACAGTATTTAACTTCAGTTCAACAGC-3'
Protein context (NP_078824.2, residues 752-772): SEEHGEWNKE[Ser762Gly]SNNEQDNSLL

ClinVar aggregate classification (germline): Uncertain significance (1 of 4 stars; one submission).

Allele frequency attached by ClinVar (database versions not stated): gnomAD 0.00006; ESP Exome Variant Server 0.00008; 1000 Genomes Project 30x 0.00016; 1000 Genomes Project 0.00020; ExAC 0.00002; TOPMed 0.00003; gnomAD exomes 0.00005.
gnomAD v4.1: 86 of 1,614,230 alleles (0.0053%); highest among the groups gnomAD compares: Non-Finnish European, 0.0069%; no homozygotes.

Submission:

Labcorp Genetics (formerly Invitae), Labcorp
Classification: Uncertain significance. Last evaluated: 2023-01-16. Review status: criteria provided, single submitter. Criteria: Invitae Variant Classification Sherloc (09022015). Collection method: clinical testing. Allele origin: germline.
Comment: In summary, the available evidence is currently insufficient to determine the role of this variant in disease. Therefore, it has been classified as a Variant of Uncertain Significance. Advanced modeling of protein sequence and biophysical properties (such as structural, functional, and spatial information, amino acid conservation, physicochemical variation, residue mobility, and thermodynamic stability) performed at Invitae indicates that this missense variant is not expected to disrupt CEP97 protein function. This variant has not been reported in the literature in individuals affected with CEP97-related conditions. This variant is present in population databases (rs150428728, gnomAD 0.004%). This sequence change replaces serine, which is neutral and polar, with glycine, which is neutral and non-polar, at codon 762 of the CEP97 protein (p.Ser762Gly).